The following is an entry in ClinVar:

NM_007194.4(CHEK2):c.320-17A>G

Gene: CHEK2 (checkpoint kinase 2; minus strand). Cytogenetic location: 22q12.1.
Variant type: single nucleotide variant.
Coding change: c.320-17A>G on transcript NM_007194.4 (MANE Select); 17 bases into the intron before coding-DNA position 320, A replaced by G.
Molecular consequence: intron variant.
Genome position (GRCh38, 1-based): chr22:28,725,384, T>C on the plus strand (A>G on the coding strand, the complement: CHEK2 is on the minus strand). VCF-style: chr22-28725384-T-C. GRCh37 (hg19) VCF-style: chr22-29121372-T-C.
Other names: c.-344-17A>G (NM_001437942.1); c.320-17A>G (NM_001349956.3, NM_145862.3); c.-458-17A>G (NM_001257387.3); c.413-17A>G (NM_001438295.1, NM_001438293.1); c.449-17A>G (NM_001438294.1, NM_001005735.3).
Identifiers: ClinVar variation 2732549 (VCV002732549.4), dbSNP rs2146072627, ClinGen allele CA2697552662.

ClinVar aggregate classification (germline): Likely benign. Review status: criteria provided, multiple submitters, no conflicts (2 of 4 stars). 2 submissions from 2 submitters: Likely benign (2). Last evaluated 2024-10-02.

Conditions:
Familial cancer of breast. Also called: BREAST CANCER, FAMILIAL; Hereditary breast cancer; hereditary breast carcinoma. Identifiers: Orphanet 227535, MedGen C0346153, MONDO:0016419, OMIM 114480. Disease mechanism: loss of function.

Submissions (2):

Myriad Genetics, Inc.
Classification: Likely benign for Familial cancer of breast. Last evaluated: 2024-10-02. Review status: criteria provided, single submitter. Criteria: Myriad Autosomal Dominant, Autosomal Recessive and X-Linked Classification Criteria (2023). Collection method: clinical testing. Allele origin: unknown.
Comment: This variant is considered likely benign. This variant is intronic and is not expected to impact mRNA splicing.

Labcorp Genetics (formerly Invitae), Labcorp
Classification: Likely benign for Familial cancer of breast. Last evaluated: 2023-11-24. Review status: criteria provided, single submitter. Criteria: Invitae Variant Classification Sherloc (09022015). Collection method: clinical testing. Allele origin: germline.